The following is an entry in ClinVar:

NM_003921.5(BCL10):c.58-3del

Gene: BCL10 (BCL10 immune signaling adaptor; minus strand). Cytogenetic location: 1p22.3.
Variant type: Deletion.
Coding change: c.58-3del on transcript NM_003921.5 (MANE Select); 3 bases into the intron before coding-DNA position 58, one base deleted (T; older notation c.58-3delT).
Molecular consequence: intron variant.
Genome position (GRCh38, 1-based): chr1:85,270,909, A deleted on the plus strand (T on the coding strand, the reverse complement: BCL10 is on the minus strand); the first of 4 consecutive A bases (chr1:85,270,909-85,270,912); deleting any one gives the same sequence. VCF-style (leftmost placement, unchanged base first): chr1-85270908-TA-T. GRCh37 (hg19) VCF-style: chr1-85736591-TA-T.
Other names: c.58-3del (NM_001320715.2).
Identifiers: ClinVar variation 860273 (VCV000860273.8), dbSNP rs754835118, ClinGen allele CA916082041.

ClinVar aggregate classification (germline): Uncertain significance (1 of 4 stars; one submission).

Conditions:
Immunodeficiency 37 (IMD37). Identifiers: MedGen C4015195, MONDO:0014491, OMIM 616098.

Submission:

Labcorp Genetics (formerly Invitae), Labcorp
Classification: Uncertain significance for Immunodeficiency 37. Last evaluated: 2022-06-04. Review status: criteria provided, single submitter. Criteria: Invitae Variant Classification Sherloc (09022015). Collection method: clinical testing. Allele origin: germline.
Comment: In summary, the available evidence is currently insufficient to determine the role of this variant in disease. Therefore, it has been classified as a Variant of Uncertain Significance. Variants that disrupt the consensus splice site are a relatively common cause of aberrant splicing (PMID: 17576681, 9536098). Algorithms developed to predict the effect of sequence changes on RNA splicing suggest that this variant is not likely to affect RNA splicing. ClinVar contains an entry for this variant (Variation ID: 860273). This variant has not been reported in the literature in individuals affected with BCL10-related conditions. This variant is not present in population databases (gnomAD no frequency). This sequence change falls in intron 1 of the BCL10 gene. It does not directly change the encoded amino acid sequence of the BCL10 protein. It affects a nucleotide within the consensus splice site.

Literature cited by the submitters: PubMed 17576681; PubMed 9536098.